The following is an entry in ClinVar:

ClinVar aggregate classification (germline): Likely benign. Review status: criteria provided, multiple submitters, no conflicts (2 of 4 stars). 3 submissions from 3 submitters: Likely benign (2). 1 of the submissions does not count toward it. Last evaluated 2025-11-22.

Conditions:
CREBBP-related disorder. Also called: CREBBP-related condition; CREBBP-related disorders.
Rubinstein-Taybi syndrome (RSTS). Identifiers: Orphanet 783, MedGen C0035934, MONDO:0019188.
Rubinstein-Taybi syndrome due to CREBBP mutations (RSTS1). Also called: Rubinstein-Taybi syndrome 1; RUBINSTEIN-TAYBI SYNDROME 1, INCOMPLETE; BROAD THUMB-HALLUX SYNDROME; RUBINSTEIN SYNDROME; BROAD THUMBS AND GREAT TOES, CHARACTERISTIC FACIES, AND IMPAIRED INTELLECTUAL DEVELOPMENT; CREBBP-Related Rubinstein-Taybi Syndrome. Identifiers: Orphanet 353277, Orphanet 783, MedGen C4551859, MONDO:0008393, OMIM 180849.
Menke-Hennekam syndrome 1 (MKHK1). Identifiers: MedGen C5193034, MONDO:0020763, OMIM 618332.

Allele frequency attached by ClinVar (database versions not stated): gnomAD 0.00003; gnomAD exomes 0.00004; 1000 Genomes Project 0.00020; 1000 Genomes Project 30x 0.00031.
gnomAD v4.1: 14 of 322,352 alleles (0.0043%); highest among the groups gnomAD compares: East Asian, 0.059%; no homozygotes.

Submissions (3):

Labcorp Genetics (formerly Invitae), Labcorp
Classification: Likely benign for Rubinstein-Taybi syndrome. Last evaluated: 2025-11-22. Review status: criteria provided, single submitter. Criteria: Invitae Variant Classification Sherloc (09022015). Collection method: clinical testing. Allele origin: germline.

Fulgent Genetics
Classification: Likely benign for Rubinstein-Taybi syndrome due to CREBBP mutations; Menke-Hennekam syndrome 1. Last evaluated: 2024-02-15. Review status: criteria provided, single submitter. Criteria: ACMG Guidelines, 2015. Collection method: clinical testing. Allele origin: germline.

PreventionGenetics, part of Exact Sciences
Classification: Likely benign for CREBBP-related condition. Last evaluated: 2023-01-29. Review status: no assertion criteria provided. Collection method: clinical testing. Allele origin: germline. Not counted in ClinVar's aggregate classification.
Comment: This variant is classified as likely benign based on ACMG/AMP sequence variant interpretation guidelines (Richards et al. 2015 PMID: 25741868, with internal and published modifications).

NM_004380.3(CREBBP):c.5844G>A (p.Pro1948=)

Gene: CREBBP (CREB binding lysine acetyltransferase; minus strand). Cytogenetic location: 16p13.3.
Variant type: single nucleotide variant.
Coding change: c.5844G>A on transcript NM_004380.3 (MANE Select); coding-DNA position 5844, G replaced by A.
Protein change: p.Pro1948=; no amino-acid change (proline 1948 retained).
Molecular consequence: synonymous variant.
Genome position (GRCh38, 1-based): chr16:3,729,203, C>T on the plus strand (G>A on the coding strand, the complement: CREBBP is on the minus strand). VCF-style: chr16-3729203-C-T. GRCh37 (hg19) VCF-style: chr16-3779204-C-T.
Other names: c.5730G>A, p.Pro1910= (NM_001079846.1).
Identifiers: ClinVar variation 3030138 (VCV003030138.5), dbSNP rs537609194, ClinGen allele CA7869237.